The following is an entry in ClinVar:

ClinVar aggregate classification (germline): Likely pathogenic (1 of 4 stars; one submission).

Conditions:
Tuberous sclerosis 2 (TSC2). Identifiers: Orphanet 805, MedGen C1860707, MONDO:0013199, OMIM 613254.

Submission:

Labcorp Genetics (formerly Invitae), Labcorp
Classification: Likely pathogenic for Tuberous sclerosis 2. Last evaluated: 2025-02-20. Review status: criteria provided, single submitter. Criteria: Invitae Variant Classification Sherloc (09022015). Collection method: clinical testing. Allele origin: germline.
Comment: This sequence change replaces serine, which is neutral and polar, with isoleucine, which is neutral and non-polar, at codon 1498 of the TSC2 protein (p.Ser1498Ile). This variant also falls at the last nucleotide of exon 34, which is part of the consensus splice site for this exon. This variant is not present in population databases (gnomAD no frequency). This missense change has been observed in individual(s) with tuberous sclerosis complex (internal data). An algorithm developed to predict the effect of missense changes on protein structure and function (PolyPhen-2) suggests that this variant is likely to be disruptive. Variants that disrupt the consensus splice site are a relatively common cause of aberrant splicing (PMID: 17576681, 9536098). Algorithms developed to predict the effect of sequence changes on RNA splicing suggest that this variant may disrupt the consensus splice site. This variant disrupts the c.4493G nucleotide in the TSC2 gene. Other variant(s) that disrupt this nucleotide have been determined to be pathogenic (PMID: 10205261). This suggests that this nucleotide is clinically significant, and that variants that disrupt this position are likely to be disease-causing. In summary, the currently available evidence indicates that the variant is pathogenic, but additional data are needed to prove that conclusively. Therefore, this variant has been classified as Likely Pathogenic.

Literature cited by the submitters: PubMed 17576681; PubMed 9536098; PubMed 10205261.

NM_000548.5(TSC2):c.4493G>T (p.Ser1498Ile)

Gene: TSC2 (TSC complex subunit 2; plus strand). Cytogenetic location: 16p13.3.
Variant type: single nucleotide variant.
Coding change: c.4493G>T on transcript NM_000548.5 (MANE Select); coding-DNA position 4493, G replaced by T.
Protein change: p.Ser1498Ile; replaces serine 1498 with isoleucine.
Molecular consequence: missense variant. On other transcripts: non-coding transcript variant (5).
Genome position (GRCh38, 1-based): chr16:2,084,715, G>T. VCF-style: chr16-2084715-G-T. GRCh37 (hg19) VCF-style: chr16-2134716-G-T.
Other names: c.4364G>T, p.Ser1455Ile (NM_001370405.1, NM_021055.3); c.4490G>T, p.Ser1497Ile (NM_001406663.1); c.4421G>T, p.Ser1474Ile (NM_001406664.1); c.4415G>T, p.Ser1472Ile (NM_001406665.1); c.4385G>T, p.Ser1462Ile (NM_001406667.1); c.4382G>T, p.Ser1461Ile (NM_001406668.1); c.4313G>T, p.Ser1438Ile (NM_001406670.1); c.4283G>T, p.Ser1428Ile (NM_001406671.1); and 26 more; short protein forms S1006I, S1007I, S1232I, S1427I, S1431I, S1474I, S1475I, S1274I.
Identifiers: ClinVar variation 4713567 (VCV004713567.1).
Genomic context (GRCh38, chr16:2,084,715, plus strand): 5'-ACGCCTTAAAGAGCAGAGCCACAGCCTCCAATGCAGAGAAAGTGCCAGGCATCAACCCCA[G>T]GTGGGCCTCTTGCTTCCGGGCGGGGCTCCTGACACCTCTCCTGCGGGAACCTGGTGCCTC-3'
Protein context (NP_000539.2, residues 1488-1508): NAEKVPGINP[Ser1498Ile]FVFLQLYHSP